The following is an entry in ClinVar:

NM_001366385.1(CARD14):c.2477G>A (p.Arg826Gln)

Genes: SGSH (N-sulfoglucosamine sulfohydrolase; minus strand), CARD14 (caspase recruitment domain family member 14; plus strand), LOC126862662 (MED14-independent group 3 enhancer GRCh37_chr17:78178385-78179584; plus strand). Cytogenetic location: 17q25.3.
Variant type: single nucleotide variant.
Coding change: c.2477G>A on transcript NM_001366385.1 (MANE Select); coding-DNA position 2477, G replaced by A.
Protein change: p.Arg826Gln; replaces arginine 826 with glutamine.
Molecular consequence: missense variant. On other transcripts: non-coding transcript variant (1).
Genome position (GRCh38, 1-based): chr17:80,205,113, G>A. VCF-style: chr17-80205113-G-A. GRCh37 (hg19) VCF-style: chr17-78178912-G-A.
Other names: c.2477G>A, p.Arg826Gln (NM_024110.4); c.2477G>A (NM_024110.3); short protein forms R826Q.
Identifiers: ClinVar variation 641359 (VCV000641359.10), dbSNP rs183322775, ClinGen allele CA8817341.

ClinVar aggregate classification (germline): Conflicting classifications of pathogenicity. Review status: criteria provided, conflicting classifications (1 of 4 stars). 2 submissions from 2 submitters: Uncertain significance (1); Likely benign (1). Last evaluated 2025-02-13.

Conditions:
Inborn genetic diseases. Identifiers: MedGen C0950123, MeSH D030342.
Pityriasis rubra pilaris (PRP). Also called: Pityriasis rubra pilaris--familial type. Identifiers: Orphanet 2897, MedGen C0032027, MONDO:0100017, OMIM 173200, MONDO:0008251.
Psoriasis 2. Identifiers: MedGen C1864497, MONDO:0011269, OMIM 602723.

Allele frequency attached by ClinVar (database versions not stated): gnomAD below 0.00001 and 0.00001; TOPMed below 0.00001; gnomAD exomes 0.00001 and 0.00002; ExAC 0.00003; 1000 Genomes Project 30x 0.00016; 1000 Genomes Project 0.00020.
gnomAD v4.1: 23 of 1,613,580 alleles (0.0014%); highest among the groups gnomAD compares: South Asian, 0.0055%; no homozygotes.

Submissions (2):

Labcorp Genetics (formerly Invitae), Labcorp
Classification: Uncertain significance for Pityriasis rubra pilaris; Psoriasis 2. Last evaluated: 2025-02-13. Review status: criteria provided, single submitter. Criteria: Invitae Variant Classification Sherloc (09022015). Collection method: clinical testing. Allele origin: germline.
Comment: This sequence change replaces arginine, which is basic and polar, with glutamine, which is neutral and polar, at codon 826 of the CARD14 protein (p.Arg826Gln). This variant is present in population databases (rs183322775, gnomAD 0.01%). This variant has not been reported in the literature in individuals affected with CARD14-related conditions. ClinVar contains an entry for this variant (Variation ID: 641359). Invitae Evidence Modeling of protein sequence and biophysical properties (such as structural, functional, and spatial information, amino acid conservation, physicochemical variation, residue mobility, and thermodynamic stability) indicates that this missense variant is not expected to disrupt CARD14 protein function with a negative predictive value of 95%. In summary, the available evidence is currently insufficient to determine the role of this variant in disease. Therefore, it has been classified as a Variant of Uncertain Significance.

Ambry Genetics
Classification: Likely benign for Inborn genetic diseases. Last evaluated: 2023-12-28. Review status: criteria provided, single submitter. Criteria: Ambry Variant Classification Scheme 2023. Collection method: clinical testing. Allele origin: germline.